The following is an entry in ClinVar:

ClinVar aggregate classification (germline): Uncertain significance (1 of 4 stars; one submission).

Conditions:
Norman-Roberts syndrome (LIS2). Also called: Lissencephaly 2 (Norman-Roberts type). Identifiers: Orphanet 89844, MedGen C0796089, MONDO:0009760, OMIM 257320.
Familial temporal lobe epilepsy 7. Identifiers: Orphanet 101046, MedGen C4225327, MONDO:0014639, OMIM 616436.

Submission:

Labcorp Genetics (formerly Invitae), Labcorp
Classification: Uncertain significance for Familial temporal lobe epilepsy 7; Norman-Roberts syndrome. Last evaluated: 2021-11-25. Review status: criteria provided, single submitter. Criteria: Invitae Variant Classification Sherloc (09022015). Collection method: clinical testing. Allele origin: germline.
Comment: In summary, the available evidence is currently insufficient to determine the role of this variant in disease. Therefore, it has been classified as a Variant of Uncertain Significance. This sequence change replaces glutamine, which is neutral and polar, with histidine, which is basic and polar, at codon 2249 of the RELN protein (p.Gln2249His). This variant is not present in population databases (gnomAD no frequency). This variant has not been reported in the literature in individuals affected with RELN-related conditions. Algorithms developed to predict the effect of missense changes on protein structure and function are either unavailable or do not agree on the potential impact of this missense change (SIFT: "Deleterious"; PolyPhen-2: "Probably Damaging"; Align-GVGD: "Class C0").

NM_005045.4(RELN):c.6747G>T (p.Gln2249His)

Gene: RELN (reelin; minus strand). Cytogenetic location: 7q22.1.
Variant type: single nucleotide variant.
Coding change: c.6747G>T on transcript NM_005045.4 (MANE Select); coding-DNA position 6747, G replaced by T.
Protein change: p.Gln2249His; replaces glutamine 2249 with histidine.
Molecular consequence: missense variant.
Genome position (GRCh38, 1-based): chr7:103,540,380, C>A on the plus strand (G>T on the coding strand, the complement: RELN is on the minus strand). VCF-style: chr7-103540380-C-A. GRCh37 (hg19) VCF-style: chr7-103180827-C-A.
Other names: c.6747G>T, p.Gln2249His (NM_173054.3); short protein forms Q2249H.
Identifiers: ClinVar variation 1395027 (VCV001395027.6), dbSNP rs1197417084, ClinGen allele CA368770044.
Genomic context (GRCh38, chr7:103,540,380, plus strand): 5'-GGAATTGCTGAAAAGGAACTCCTGAAGAAGACTCCACGAGAGGCCACCGTTGAGAGAATA[C>A]TGTAGGAGCACGGGTTGACTCCTGGGGTCAGGAACGCCTTTACCACATCCCAGTCTCATG-3'
Protein context (NP_005036.2, residues 2239-2259): PDPRSQPVLL[Gln2249His]YSLNGGLSWS